The following is an entry in ClinVar:

ClinVar aggregate classification (germline): Benign (3 of 4 stars; one submission).

Conditions:
Breast-ovarian cancer, familial, susceptibility to, 2 (BROVCA2). Also called: BRCA2 Hereditary Breast and Ovarian Cancer. Identifiers: Orphanet 145, MedGen C2675520, MONDO:0012933, OMIM 612555. Disease mechanism: loss of function.

Allele frequency attached by ClinVar (database versions not stated): 1000 Genomes Project 0.16833; 1000 Genomes Project 30x 0.17146; gnomAD 0.18106 and 0.18443; TOPMed 0.18346.
gnomAD v4.1: 27,518 of 151,452 alleles (18%); highest among the groups gnomAD compares: Middle Eastern, 24%; 2,549 homozygotes.

Submission:

Evidence-based Network for the Interpretation of Germline Mutant Alleles (ENIGMA)
Classification: Benign for Breast-ovarian cancer, familial 2. Last evaluated: 2015-01-12. Review status: reviewed by expert panel. Criteria: ENIGMA BRCA1/2 Classification Criteria (2015). Collection method: curation. Allele origin: germline.
Comment: Class 1 not pathogenic based on frequency >1% in an outbred sampleset. Frequency 0.1853 (Asian), 0.1972 (African), 0.1755 (European), derived from 1000 genomes (2012-04-30).

NM_000059.4(BRCA2):c.6841+964C>A

Gene: BRCA2 (BRCA2 DNA repair associated; plus strand). Cytogenetic location: 13q13.1.
Variant type: single nucleotide variant.
Coding change: c.6841+964C>A on transcript NM_000059.4 (MANE Select); 964 bases into the intron after coding-DNA position 6841, C replaced by A.
Molecular consequence: intron variant.
Genome position (GRCh38, 1-based): chr13:32,342,160, C>A. VCF-style: chr13-32342160-C-A. GRCh37 (hg19) VCF-style: chr13-32916297-C-A.
Other names: IVS 11+964C>A.
Identifiers: ClinVar variation 209695 (VCV000209695.1), dbSNP rs206077, ClinGen allele CA276663.